The following is an entry in ClinVar:

ClinVar aggregate classification (germline): Uncertain significance. Review status: criteria provided, single submitter (1 of 4 stars). 2 submissions from 2 submitters: Uncertain significance (1). 1 of the submissions does not count toward it. Last evaluated 2019-09-09.

Conditions:
Hypophosphatasia. Also called: Phosphoethanol-aminuria. Identifiers: Orphanet 436, MedGen C0020630, MeSH D007014, MONDO:0018570.

Allele frequency attached by ClinVar (database versions not stated): gnomAD exomes below 0.00001; TOPMed below 0.00001.

Submissions (2):

Labcorp Genetics (formerly Invitae), Labcorp
Classification: Uncertain significance. Last evaluated: 2019-09-09. Review status: criteria provided, single submitter. Criteria: Invitae Variant Classification Sherloc (09022015). Collection method: clinical testing. Allele origin: germline.
Comment: This sequence change replaces proline with arginine at codon 390 of the ALPL protein (p.Pro390Arg). The proline residue is moderately conserved and there is a moderate physicochemical difference between proline and arginine. This variant is not present in population databases (ExAC no frequency). This variant has not been reported in the literature in individuals with ALPL-related conditions. Algorithms developed to predict the effect of missense changes on protein structure and function output the following: SIFT: "Tolerated"; PolyPhen-2: "Benign"; Align-GVGD: "Class C0". The proline amino acid residue is found in multiple mammalian species, suggesting that this missense change does not adversely affect protein function. These predictions have not been confirmed by published functional studies and their clinical significance is uncertain. In summary, the available evidence is currently insufficient to determine the role of this variant in disease. Therefore, it has been classified as a Variant of Uncertain Significance.

Natera, Inc.
Classification: Uncertain significance for Hypophosphatasia. Last evaluated: 2021-06-04. Review status: no assertion criteria provided. Collection method: clinical testing. Allele origin: germline. Not counted in ClinVar's aggregate classification.

NM_000478.6(ALPL):c.1169C>G (p.Pro390Arg)

Gene: ALPL (alkaline phosphatase, biomineralization associated; plus strand). Cytogenetic location: 1p36.12.
Variant type: single nucleotide variant.
Coding change: c.1169C>G on transcript NM_000478.6 (MANE Select); coding-DNA position 1169, C replaced by G.
Protein change: p.Pro390Arg; replaces proline 390 with arginine.
Molecular consequence: missense variant.
Genome position (GRCh38, 1-based): chr1:21,575,904, C>G. VCF-style: chr1-21575904-C-G. GRCh37 (hg19) VCF-style: chr1-21902397-C-G.
Other names: c.1004C>G, p.Pro335Arg (NM_001127501.4); c.938C>G, p.Pro313Arg (NM_001177520.3); c.1169C>G, p.Pro390Arg (NM_001369803.2, NM_001369804.2, NM_001369805.2); short protein forms P313R, P390R, P335R.
Identifiers: ClinVar variation 953926 (VCV000953926.2), dbSNP rs983864892, ClinGen allele CA338881479.